The following is an entry in ClinVar:

NM_000059.4(BRCA2):c.2970_2975delinsTATTAATGATTAC (p.Met990fs)

Gene: BRCA2 (BRCA2 DNA repair associated; plus strand). Cytogenetic location: 13q13.1.
Variant type: Indel.
Coding change: c.2970_2975delinsTATTAATGATTAC on transcript NM_000059.4 (MANE Select); coding-DNA positions 2970 to 2975, GAACAA replaced by TATTAATGATTAC.
Protein change: p.Met990fs; shifts the reading frame from methionine 990.
Molecular consequence: frameshift variant. On other transcripts: non-coding transcript variant (1), intron variant (2).
Genome position (GRCh38, 1-based): chr13:32,337,325-32,337,330, GAACAA replaced by TATTAATGATTAC. VCF-style: chr13-32337325-GAACAA-TATTAATGATTAC. GRCh37 (hg19) VCF-style: chr13-32911462-GAACAA-TATTAATGATTAC.
Other names: c.2970_2975delinsTATTAATGATTAC, p.Met990fs (NM_001406719.1, NM_001406720.1, NM_001432077.1); c.1909+3938_1909+3943delinsTATTAATGATTAC (NM_001406721.1); c.424+6295_424+6300delinsTATTAATGATTAC (NM_001406722.1); short protein forms M990fs.
Identifiers: ClinVar variation 4077021 (VCV004077021.1).

ClinVar aggregate classification (germline): Pathogenic (1 of 4 stars; one submission).

Conditions:
Hereditary breast ovarian cancer syndrome. Also called: BRCA1- and BRCA2-Associated Hereditary Breast and Ovarian Cancer; Hereditary breast and ovarian cancer; Hereditary breast and ovarian cancer syndrome (HBOC); Hereditary breast and/or ovarian cancer syndrome; Hereditary breast and ovarian cancer syndrome; Breast and ovarian cancer. Identifiers: Orphanet 145, MedGen C0677776, MeSH D061325, MONDO:0003582. Disease mechanism: loss of function.

Submission:

GeneKor MSA
Classification: Pathogenic for Hereditary breast ovarian cancer syndrome. Last evaluated: 2025-06-25. Review status: criteria provided, single submitter. Criteria: ACMG Guidelines, 2015. Collection method: clinical testing. Allele origin: germline. Affected: yes.
Comment: This is a 13-nucleotide deletion and 6-nucleotide insertion in exon 11 of the BRCA2 mRNA c.(2970_2975delinsTATTAATGATTAC) causing a frameshift after codon 990 and the creation of a premature translation stop signal 21 amino acid residues later p.( Met990Ilefs*21). This is expected to result in an absent or disrupted protein product. Truncating variants in BRCA2 are known to be pathogenic (PMID:20104584). This variant is not present in population databases. This alteration has not been reported in individuals with hereditary cancer and has not been described in mutation database ClinVar. Based on the classification criteria set by the ACMG and AMP (PMID:25741868) this variant has been classified as likely pathogenic.

Literature cited by the submitters: PubMed 20104584.